The following is an entry in ClinVar:

NM_000154.2(GALK1):c.514C>T (p.Gln172Ter)

Gene: GALK1 (galactokinase 1; minus strand). Cytogenetic location: 17q25.1.
Variant type: single nucleotide variant.
Coding change: c.514C>T on transcript NM_000154.2 (MANE Select); coding-DNA position 514, C replaced by T.
Protein change: p.Gln172Ter; replaces glutamine 172 with a stop codon.
Molecular consequence: nonsense.
Genome position (GRCh38, 1-based): chr17:75,763,111, G>A on the plus strand (C>T on the coding strand, the complement: GALK1 is on the minus strand). VCF-style: chr17-75763111-G-A. GRCh37 (hg19) VCF-style: chr17-73759192-G-A.
Other names: c.514C>T (NM_000154.1); c.514C>T, p.Gln172Ter (NM_001381985.1); short protein forms Q172*.
Identifiers: ClinVar variation 1459536 (VCV001459536.9), dbSNP rs767799179, ClinGen allele CA401104605.
Genomic context (GRCh38, chr17:75,763,111, plus strand): 5'-TAAGTGAGATGAACTGGTCCATGATGCCACAGGGCATCCCTGCGAAGCTGTGCTCGGCCT[G>A]CTGACACACCTGGGCGCGGGCAGCTATTGTGCCCGAGTCTGCAGTACAGGGTGAGGTGGG-3'

ClinVar aggregate classification (germline): Pathogenic/Likely pathogenic. Review status: criteria provided, multiple submitters, no conflicts (2 of 4 stars). 3 submissions from 3 submitters: Pathogenic (1); Likely pathogenic (2). Last evaluated 2025-05-14.

Conditions:
Deficiency of galactokinase. Also called: Galactokinase deficiency with cataracts; GALACTOSEMIA II. Identifiers: Orphanet 352, Orphanet 79237, MedGen C0268155, MONDO:0009255, OMIM 230200.

Submissions (3):

Natera, Inc.
Classification: Likely pathogenic for Deficiency of galactokinase. Last evaluated: 2025-05-14. Review status: criteria provided, single submitter. Criteria: Natera Variant Classification Schema (03/2026). Collection method: clinical testing. Allele origin: germline.
Comment: The c.514C>T variant in GALK1 is a nonsense variant predicted to introduce a stop codon at amino acid 172. This variant is expected to result in nonsense mediated decay, truncation, or a dysfunctional protein product. This variant is rare in the general population with a frequency below the threshold expected for the associated phenotype(s). Given the available evidence, this variant is classified as Likely Pathogenic.

Baylor Genetics
Classification: Likely pathogenic for Deficiency of galactokinase. Last evaluated: 2023-09-19. Review status: criteria provided, single submitter. Criteria: ACMG Guidelines, 2015. Collection method: clinical testing. Allele origin: unknown.

Labcorp Genetics (formerly Invitae), Labcorp
Classification: Pathogenic for Deficiency of galactokinase. Last evaluated: 2021-06-02. Review status: criteria provided, single submitter. Criteria: Invitae Variant Classification Sherloc (09022015). Collection method: clinical testing. Allele origin: germline.
Comment: For these reasons, this variant has been classified as Pathogenic. Algorithms developed to predict the effect of sequence changes on RNA splicing suggest that this variant may create or strengthen a splice site, but this prediction has not been confirmed by published transcriptional studies. This variant has not been reported in the literature in individuals with GALK1-related conditions. This variant is not present in population databases (ExAC no frequency). This sequence change creates a premature translational stop signal (p.Gln172*) in the GALK1 gene. It is expected to result in an absent or disrupted protein product. Loss-of-function variants in GALK1 are known to be pathogenic (PMID: 7670469, 10790206).

Literature cited by the submitters: PubMed 7670469 (cited by Labcorp Genetics (formerly Invitae), Labcorp); PubMed 10790206 (cited by Labcorp Genetics (formerly Invitae), Labcorp).